The following is an entry in ClinVar:

ClinVar aggregate classification (germline): Uncertain significance (1 of 4 stars; one submission).

Submission:

Women's Health and Genetics/Laboratory Corporation of America, LabCorp
Classification: Uncertain significance. Last evaluated: 2019-11-25. Review status: criteria provided, single submitter. Criteria: LabCorp Variant Classification Summary - May 2015. Collection method: clinical testing. Allele origin: germline.
Comment: Variant summary: ABCC9 c.26_28delACA (p.Asn9del) results in an in-frame deletion that is predicted to remove one amino acid from the encoded protein. The variant was absent in 250906 control chromosomes. The available data on variant occurrences in the general population are insufficient to allow any conclusion about variant significance. To our knowledge, no occurrence of c.26_28delACA in individuals affected with Cardiomyopathy and no experimental evidence demonstrating its impact on protein function have been reported. No clinical diagnostic laboratories have submitted clinical-significance assessments for this variant to ClinVar after 2014. Based on the evidence outlined above, the variant was classified as uncertain significance.

NM_020297.4(ABCC9):c.23ACA[1] (p.Asn9del)

Gene: ABCC9 (ATP binding cassette subfamily C member 9; minus strand). Cytogenetic location: 12p12.1.
Variant type: Microsatellite.
Coding change: c.23ACA[1] on transcript NM_020297.4 (MANE Select); one copy of the 3-base unit ACA starting at c.23; the reference has two copies in a row; one copy, 3 bases deleted.
Protein change: p.Asn9del; deletes asparagine 9.
Molecular consequence: inframe deletion. On other transcripts: 5 prime UTR variant (1).
Genome position (GRCh38, 1-based): chr12:21,936,647-21,936,649, TGT deleted on the plus strand (ACA on the coding strand, the reverse complement: ABCC9 is on the minus strand); deleting any 3 consecutive bases within chr12:21,936,647-21,936,653 gives the same sequence; the position shown is the placement nearest the transcript's 3' end. VCF-style (leftmost placement, unchanged base first): chr12-21936646-ATGT-A. GRCh37 (hg19) VCF-style: chr12-22089580-ATGT-A.
Other names: c.23ACA[1], p.Asn9del (NM_001377273.1, NM_005691.4); c.-432ACA[1] (NM_001377274.1); c.26_28del (NM_005691.3); short protein forms N9del.
Identifiers: ClinVar variation 928911 (VCV000928911.1), dbSNP rs1949499149, ClinGen allele CA2021348136.